The following is an entry in ClinVar:

NM_144596.4(TTC8):c.466G>A (p.Gly156Arg)

Gene: TTC8 (tetratricopeptide repeat domain 8; plus strand). Cytogenetic location: 14q31.3.
Variant type: single nucleotide variant.
Coding change: c.466G>A on transcript NM_144596.4 (MANE Select); coding-DNA position 466, G replaced by A.
Protein change: p.Gly156Arg; replaces glycine 156 with arginine.
Molecular consequence: missense variant. On other transcripts: 5 prime UTR variant (2), non-coding transcript variant (1).
Genome position (GRCh38, 1-based): chr14:88,841,173, G>A. VCF-style: chr14-88841173-G-A. GRCh37 (hg19) VCF-style: chr14-89307517-G-A.
Other names: c.436G>A, p.Gly146Arg (NM_001288781.1, NM_001366535.2, NM_001366536.2 and 2 more transcripts); c.-127G>A (NM_001288782.1); c.-222G>A (NM_001288783.1); c.466G>A (NM_144596.3); short protein forms G146R, G156R.
Identifiers: ClinVar variation 1058128 (VCV001058128.10), dbSNP rs750521601, ClinGen allele CA7302479.
Genomic context (GRCh38, chr14:88,841,173, plus strand): 5'-GAACAGGCTATCAGAACACCCAGAACCGCCTACACAGCCCGCCCTATCACCAGCTCCTCC[G>A]GAAGATTTGTCAGGCTGGGAACGGTAAATTCTATCAGCTTTCCCATAGCCTTGTATTACT-3'
Protein context (NP_653197.2, residues 146-166): YTARPITSSS[Gly156Arg]RFVRLGTASM

ClinVar aggregate classification (germline): Uncertain significance. Review status: criteria provided, multiple submitters, no conflicts (2 of 4 stars). 5 submissions from 5 submitters: Uncertain significance (5). Last evaluated 2026-01-12.

Conditions:
Bardet-Biedl syndrome 8 (BBS8). Identifiers: Orphanet 110, MedGen C1859566, MONDO:0014436, OMIM 615985.
Retinitis pigmentosa 51 (RP51). Identifiers: Orphanet 791, MedGen C3150715, MONDO:0013274, OMIM 613464.
TTC8-related disorder. Also called: TTC8-related condition.
Bardet-Biedl syndrome (BBS). Identifiers: Orphanet 110, MedGen C0752166, MONDO:0015229.

Allele frequency attached by ClinVar (database versions not stated): gnomAD 0.00002; TOPMed 0.00003; ExAC 0.00004; gnomAD exomes 0.00005 and 0.00007.

Submissions (5):

PreventionGenetics, part of Exact Sciences
Classification: Uncertain significance for TTC8-related condition. Last evaluated: 2026-01-12. Review status: criteria provided, single submitter. Criteria: ACMG Guidelines, 2015. Collection method: clinical testing. Allele origin: germline.
Comment: The TTC8 c.466G>A variant is predicted to result in the amino acid substitution p.Gly156Arg. To our knowledge, this variant has not been reported in the literature. This variant is reported in 0.032% of alleles in individuals of Latino descent in gnomAD. At this time, the clinical significance of this variant is uncertain due to the absence of conclusive functional and genetic evidence.

Labcorp Genetics (formerly Invitae), Labcorp
Classification: Uncertain significance for Bardet-Biedl syndrome. Last evaluated: 2025-12-08. Review status: criteria provided, single submitter. Criteria: Invitae Variant Classification Sherloc (09022015). Collection method: clinical testing. Allele origin: germline.
Comment: This sequence change replaces glycine, which is neutral and non-polar, with arginine, which is basic and polar, at codon 146 of the TTC8 protein (p.Gly146Arg). This variant is present in population databases (rs750521601, gnomAD 0.03%). This variant has not been reported in the literature in individuals affected with TTC8-related conditions. ClinVar contains an entry for this variant (Variation ID: 1058128). Invitae Evidence Modeling of protein sequence and biophysical properties (such as structural, functional, and spatial information, amino acid conservation, physicochemical variation, residue mobility, and thermodynamic stability) indicates that this missense variant is not expected to disrupt TTC8 protein function with a negative predictive value of 80%. In summary, the available evidence is currently insufficient to determine the role of this variant in disease. Therefore, it has been classified as a Variant of Uncertain Significance.

Blueprint Genetics
Classification: Uncertain significance. Last evaluated: 2024-11-06. Review status: criteria provided, single submitter. Criteria: ACMG Guidelines, 2015. Collection method: clinical testing. Allele origin: germline.

Fulgent Genetics
Classification: Uncertain significance for Retinitis pigmentosa 51; Bardet-Biedl syndrome 8. Last evaluated: 2024-06-21. Review status: criteria provided, single submitter. Criteria: ACMG Guidelines, 2015. Collection method: clinical testing. Allele origin: germline.

GeneDx
Classification: Uncertain significance. Last evaluated: 2022-03-31. Review status: criteria provided, single submitter. Criteria: GeneDx Variant Classification Process June 2021. Collection method: clinical testing. Allele origin: germline. Affected: yes.
Comment: In silico analysis supports that this missense variant has a deleterious effect on protein structure/function; Has not been previously published as pathogenic or benign to our knowledge